The following is an entry in ClinVar:

NM_001008212.2(OPTN):c.1510G>T (p.Asp504Tyr)

Gene: OPTN (optineurin; plus strand). Cytogenetic location: 10p13.
Variant type: single nucleotide variant.
Coding change: c.1510G>T on transcript NM_001008212.2 (MANE Select); coding-DNA position 1510, G replaced by T.
Protein change: p.Asp504Tyr; replaces aspartic acid 504 with tyrosine.
Molecular consequence: missense variant.
Genome position (GRCh38, 1-based): chr10:13,132,175, G>T. VCF-style: chr10-13132175-G-T. GRCh37 (hg19) VCF-style: chr10-13174175-G-T.
Other names: c.1510G>T, p.Asp504Tyr (NM_001008211.1, NM_001008213.1, NM_021980.4); short protein forms D504Y.
Identifiers: ClinVar variation 2046682 (VCV002046682.4), dbSNP rs774816761, ClinGen allele CA5410981.
Genomic context (GRCh38, chr10:13,132,175, plus strand): 5'-AAAATTCATGAGGAAAAGGAGCAACTGGCATTGCAGCTGGCAGTTCTGCTGAAAGAGAAT[G>T]ATGCTTTCGAAGACGGAGGCAGGTAAGGAAAAGAGAGAGGAGGACCCAGAGCTCACATCA-3'
Protein context (NP_001008213.1, residues 494-514): LQLAVLLKEN[Asp504Tyr]AFEDGGRQSL

ClinVar aggregate classification (germline): Uncertain significance (1 of 4 stars; one submission).

Conditions:
Primary open angle glaucoma (POAG). Also called: OPTN-related open angle glaucoma. Identifiers: MedGen C0339573, MONDO:0100553, OMIM 137760.
Glaucoma 1, open angle, E. Identifiers: MedGen C1842026, MONDO:0007665.
Amyotrophic lateral sclerosis type 12 (ALS12). Also called: AMYOTROPHIC LATERAL SCLEROSIS 12 WITH OR WITHOUT FRONTOTEMPORAL DEMENTIA. Identifiers: Orphanet 803, MedGen C3150692, MONDO:0013264, OMIM 613435.

Allele frequency attached by ClinVar (database versions not stated): ExAC 0.00001; gnomAD exomes 0.00001; TOPMed 0.00001.
gnomAD v4.1: 4 of 1,613,170 alleles (0.00025%); highest among the groups gnomAD compares: Admixed American, 0.0067%; no homozygotes.

Submission:

Labcorp Genetics (formerly Invitae), Labcorp
Classification: Uncertain significance for Primary open angle glaucoma; Glaucoma 1, open angle, E; Amyotrophic lateral sclerosis type 12. Last evaluated: 2022-11-21. Review status: criteria provided, single submitter. Criteria: Invitae Variant Classification Sherloc (09022015). Collection method: clinical testing. Allele origin: germline.
Comment: This variant is present in population databases (rs774816761, gnomAD 0.01%). In summary, the available evidence is currently insufficient to determine the role of this variant in disease. Therefore, it has been classified as a Variant of Uncertain Significance. Advanced modeling of protein sequence and biophysical properties (such as structural, functional, and spatial information, amino acid conservation, physicochemical variation, residue mobility, and thermodynamic stability) performed at Invitae indicates that this missense variant is not expected to disrupt OPTN protein function. This variant has not been reported in the literature in individuals affected with OPTN-related conditions. This sequence change replaces aspartic acid, which is acidic and polar, with tyrosine, which is neutral and polar, at codon 504 of the OPTN protein (p.Asp504Tyr).